The following is an entry in ClinVar:

ClinVar aggregate classification (germline): Pathogenic (1 of 4 stars; one submission).

Submission:

Labcorp Genetics (formerly Invitae), Labcorp
Classification: Pathogenic. Last evaluated: 2023-11-06. Review status: criteria provided, single submitter. Criteria: Invitae Variant Classification Sherloc (09022015). Collection method: clinical testing. Allele origin: germline.
Comment: This sequence change results in a frameshift in the ADGRG1 gene (p.His608Argfs*145). While this is not anticipated to result in nonsense mediated decay, it is expected to disrupt the last 86 amino acid(s) of the ADGRG1 protein and extend the protein by 58 additional amino acid residues. This variant is not present in population databases (gnomAD no frequency). This frameshift has been observed in individual(s) with lissencephaly (PMID: 35097086). This variant is also known as c.1820_1821delAT, (p.H607fs). This variant disrupts a region of the ADGRG1 protein in which other variant(s) (p.Trp657*) have been determined to be pathogenic (PMID: 28097321). This suggests that this is a clinically significant region of the protein, and that variants that disrupt it are likely to be disease-causing. For these reasons, this variant has been classified as Pathogenic.

Literature cited by the submitters: PubMed 35097086; PubMed 28097321.

NM_201525.4(ADGRG1):c.1805_1806del (p.His602fs)

Gene: ADGRG1 (adhesion G protein-coupled receptor G1; plus strand). Cytogenetic location: 16q21.
Variant type: Deletion.
Coding change: c.1805_1806del on transcript NM_201525.4 (MANE Select); coding-DNA positions 1805 to 1806, 2 bases deleted (AT; older notation c.1805_1806delAT).
Protein change: p.His602fs; shifts the reading frame from histidine 602.
Molecular consequence: frameshift variant.
Genome position (GRCh38, 1-based): chr16:57,661,837-57,661,838, AT deleted. VCF-style (leftmost placement, unchanged base first): chr16-57661836-CAT-C. GRCh37 (hg19) VCF-style: chr16-57695748-CAT-C.
Other names: c.1805_1806del, p.His602fs (NM_001145770.3, NM_001145772.3, NM_001145774.3 and 7 more transcripts); c.1823_1824del, p.His608fs (NM_001145771.3, NM_001370428.1, NM_001370429.1 and 4 more transcripts); c.1820_1821del, p.His607fs (NM_001145773.3, NM_001370433.1, NM_001370434.1); c.1313_1314del, p.His438fs (NM_001290142.2); c.1298_1299del, p.His433fs (NM_001290143.2); c.1280_1281del, p.His427fs (NM_001290144.2, NM_001370451.1, NM_001370453.1 and 1 more transcripts); c.1802_1803del, p.His601fs (NM_001370441.1); c.1649_1650del, p.His550fs (NM_001370442.1); short protein forms H602fs, H601fs, H433fs, H438fs, H550fs, H607fs, H427fs, H608fs.
Identifiers: ClinVar variation 2868022 (VCV002868022.3), dbSNP rs2545536411, ClinGen allele CA2576009627.